The following is an entry in ClinVar:

NM_130384.3(ATRIP):c.1654G>A (p.Ala552Thr)

Genes: ATRIP (ATR interacting protein; plus strand), ATRIP-TREX1 (ATRIP-TREX1 readthrough; plus strand). Cytogenetic location: 3p21.31.
Variant type: single nucleotide variant.
Coding change: c.1654G>A on transcript NM_130384.3 (MANE Select); coding-DNA position 1654, G replaced by A.
Protein change: p.Ala552Thr; replaces alanine 552 with threonine.
Molecular consequence: missense variant. On other transcripts: non-coding transcript variant (1).
Genome position (GRCh38, 1-based): chr3:48,460,708, G>A. VCF-style: chr3-48460708-G-A. GRCh37 (hg19) VCF-style: chr3-48502107-G-A.
Other names: c.1273G>A, p.Ala425Thr (NM_001271022.2); c.1375G>A, p.Ala459Thr (NM_001271023.2); c.1654G>A, p.Ala552Thr (NM_032166.4); short protein forms A552T, A425T, A459T.
Identifiers: ClinVar variation 3463987 (VCV003463987.3).

ClinVar aggregate classification (germline): Uncertain significance. Review status: criteria provided, multiple submitters, no conflicts (2 of 4 stars). 2 submissions from 2 submitters: Uncertain significance (2). Last evaluated 2024-11-18.

gnomAD v4.1: 21 of 1,613,956 alleles (0.0013%); highest among the groups gnomAD compares: Non-Finnish European, 0.0017%; no homozygotes.

Submissions (2):

Ambry Genetics
Classification: Uncertain significance. Last evaluated: 2024-11-18. Review status: criteria provided, single submitter. Criteria: Ambry Variant Classification Scheme 2023. Collection method: clinical testing. Allele origin: germline.
Comment: The p.A552T variant (also known as c.1654G>A), located in coding exon 8 of the ATRIP gene, results from a G to A substitution at nucleotide position 1654. The alanine at codon 552 is replaced by threonine, an amino acid with similar properties. This amino acid position is conserved. In addition, this alteration is predicted to be tolerated by in silico analysis. Based on the available evidence, the clinical significance of this variant remains unclear.

Labcorp Genetics (formerly Invitae), Labcorp
Classification: Uncertain significance. Last evaluated: 2024-08-23. Review status: criteria provided, single submitter. Criteria: Invitae Variant Classification Sherloc (09022015). Collection method: clinical testing. Allele origin: germline.
Comment: This sequence change replaces alanine, which is neutral and non-polar, with threonine, which is neutral and polar, at codon 552 of the ATRIP protein (p.Ala552Thr). This variant is present in population databases (rs745842797, gnomAD no frequency). This variant has not been reported in the literature in individuals affected with ATRIP-related conditions. An algorithm developed to predict the effect of missense changes on protein structure and function outputs the following: PolyPhen-2: "Benign". The threonine amino acid residue is found in multiple mammalian species, which suggests that this missense change does not adversely affect protein function. Algorithms developed to predict the effect of sequence changes on RNA splicing suggest that this variant may create or strengthen a splice site. In summary, the available evidence is currently insufficient to determine the role of this variant in disease. Therefore, it has been classified as a Variant of Uncertain Significance.